The following is an entry in ClinVar:

NM_000525.4(KCNJ11):c.574C>T (p.Arg192Cys)

Gene: KCNJ11 (potassium inwardly rectifying channel subfamily J member 11; minus strand). Cytogenetic location: 11p15.1.
Variant type: single nucleotide variant.
Coding change: c.574C>T on transcript NM_000525.4 (MANE Select); coding-DNA position 574, C replaced by T.
Protein change: p.Arg192Cys; replaces arginine 192 with cysteine.
Molecular consequence: missense variant.
Genome position (GRCh38, 1-based): chr11:17,387,518, G>A on the plus strand (C>T on the coding strand, the complement: KCNJ11 is on the minus strand). VCF-style: chr11-17387518-G-A. GRCh37 (hg19) VCF-style: chr11-17409065-G-A.
Other names: p.Arg192Cys; c.313C>T, p.Arg105Cys (NM_001166290.2, NM_001377296.1, NM_001377297.1); short protein forms R105C, R192C.
Identifiers: ClinVar variation 4849535 (VCV004849535.1), dbSNP rs780511484.

ClinVar aggregate classification (germline): Likely pathogenic (1 of 4 stars; one submission).

Conditions:
Maturity-onset diabetes of the young type 13. Also called: MODY, TYPE 13. Identifiers: Orphanet 552, MedGen C4225365, MONDO:0014589, OMIM 616329.

gnomAD v4.1: 4 of 1,611,936 alleles (0.00025%); highest among the groups gnomAD compares: African/African-American, 0.0013%; no homozygotes.

Submission:

Department of Pediatrics, Pediatric Endocrinology, King Abdulaziz University
Classification: Likely pathogenic for Maturity-onset diabetes of the young type 13. Last evaluated: 2024-10-03. Review status: criteria provided, single submitter. Criteria: ACMG Guidelines, 2015. Collection method: clinical testing. Allele origin: germline. Affected: yes. Observed: 1 variant allele.
Comment: This variant is classified as likely pathogenic based on ACMG/AMP 2015 criteria, including PM2 (absent/rare in population databases) and PP3 (multiple computational tools support a deleterious effect)

Literature cited by the submitters: PubMed 22701567; PubMed 31464105.